The following is an entry in ClinVar:

ClinVar aggregate classification (germline): Conflicting classifications of pathogenicity. Review status: criteria provided, conflicting classifications (1 of 4 stars). 6 submissions from 6 submitters: Uncertain significance (3); Likely benign (2). 1 of the submissions does not count toward it. Last evaluated 2026-01-26.

Conditions:
Hereditary cancer-predisposing syndrome. Also called: Neoplastic Syndromes, Hereditary; Hereditary neoplastic syndrome; Tumor predisposition; Hereditary Cancer Syndrome. Identifiers: Orphanet 140162, MedGen C0027672, MeSH D009386, MONDO:0015356.
POLE-related disorder. Also called: POLE-related condition; POLE-related disorders.

Allele frequency attached by ClinVar (database versions not stated): TOPMed 0.00001; ESP Exome Variant Server 0.00008; 1000 Genomes Project 30x 0.00016; 1000 Genomes Project 0.00020.
gnomAD v4.1: 59 of 1,613,642 alleles (0.0037%); highest among the groups gnomAD compares: Admixed American, 0.013%; no homozygotes.

Submissions (6):

Labcorp Genetics (formerly Invitae), Labcorp
Classification: Uncertain significance. Last evaluated: 2026-01-26. Review status: criteria provided, single submitter. Criteria: Invitae Variant Classification Sherloc (09022015). Collection method: clinical testing. Allele origin: germline.
Comment: This sequence change replaces arginine, which is basic and polar, with histidine, which is basic and polar, at codon 2149 of the POLE protein (p.Arg2149His). This variant is present in population databases (rs201165149, gnomAD 0.01%). This variant has not been reported in the literature in individuals affected with POLE-related conditions. ClinVar contains an entry for this variant (Variation ID: 405642). Invitae Evidence Modeling of protein sequence and biophysical properties (such as structural, functional, and spatial information, amino acid conservation, physicochemical variation, residue mobility, and thermodynamic stability) indicates that this missense variant is not expected to disrupt POLE protein function with a negative predictive value of 80%. In summary, the available evidence is currently insufficient to determine the role of this variant in disease. Therefore, it has been classified as a Variant of Uncertain Significance.

Center for Genomic Medicine, Rigshospitalet, Copenhagen University Hospital
Classification: Likely benign. Last evaluated: 2025-12-29. Review status: criteria provided, single submitter. Criteria: ACMG Guidelines, 2015. Collection method: clinical testing. Allele origin: germline.
Comment: Classification criteria: BS1, BP4

GeneDx
Classification: Uncertain significance. Last evaluated: 2025-08-18. Review status: criteria provided, single submitter. Criteria: GeneDx Variant Classification Process June 2021. Collection method: clinical testing. Allele origin: germline. Affected: yes.
Comment: In silico analysis suggests that this missense variant does not alter protein structure/function; Has not been previously published as pathogenic or benign to our knowledge; This variant is associated with the following publications: (PMID: 32546565, 19296856)

Ambry Genetics
Classification: Likely benign for Hereditary cancer-predisposing syndrome. Last evaluated: 2024-12-17. Review status: criteria provided, single submitter. Criteria: Ambry Variant Classification Scheme 2023. Collection method: clinical testing. Allele origin: germline.

CeGaT Center for Human Genetics Tuebingen
Classification: Uncertain significance. Last evaluated: 2018-10-01. Review status: criteria provided, single submitter. Criteria: CeGaT Center For Human Genetics Tuebingen Variant Classification Criteria Version 2. Collection method: clinical testing. Allele origin: germline. Affected: yes. Observed: 1 variant allele.

PreventionGenetics, part of Exact Sciences
Classification: Uncertain significance for POLE-related condition. Last evaluated: 2024-03-04. Review status: no assertion criteria provided. Collection method: clinical testing. Allele origin: germline. Not counted in ClinVar's aggregate classification.
Comment: The POLE c.6446G>A variant is predicted to result in the amino acid substitution p.Arg2149His. To our knowledge, this variant has not been reported in the literature. This variant is reported in 0.010% of alleles in individuals of Ashkenazi Jewish descent in gnomAD. This variant is interpreted as a variant of uncertain significance in ClinVar. At this time, the clinical significance of this variant is uncertain due to the absence of conclusive functional and genetic evidence.

Literature cited by the submitters: PubMed 37848928 (cited by Center for Genomic Medicine, Rigshospitalet, Copenhagen University Hospital).

NM_006231.4(POLE):c.6446G>A (p.Arg2149His)

Gene: POLE (DNA polymerase epsilon, catalytic subunit; minus strand). Cytogenetic location: 12q24.33.
Variant type: single nucleotide variant.
Coding change: c.6446G>A on transcript NM_006231.4 (MANE Select); coding-DNA position 6446, G replaced by A.
Protein change: p.Arg2149His; replaces arginine 2149 with histidine.
Molecular consequence: missense variant.
Genome position (GRCh38, 1-based): chr12:132,626,202, C>T on the plus strand (G>A on the coding strand, the complement: POLE is on the minus strand). VCF-style: chr12-132626202-C-T. GRCh37 (hg19) VCF-style: chr12-133202788-C-T.
Other names: short protein forms R2149H.
Identifiers: ClinVar variation 405642 (VCV000405642.62), dbSNP rs201165149, ClinGen allele CA6892175.
Genomic context (GRCh38, chr12:132,626,202, plus strand): 5'-AGGTCCAGGTCGCGGCAGAAGTTACAGCTGCGGCAGATGACCTCAGGAAGCACGTAGGAG[C>T]GGCAGGGGTCTCGGAACTGGGCCTCCTCGGAGAACTCGCCGACATCCACCAGGCGAAGCA-3'
Protein context (NP_006222.2, residues 2139-2159): SEEAQFRDPC[Arg2149His]SYVLPEVICR